The following is an entry in ClinVar:

ClinVar aggregate classification (germline): Uncertain significance (1 of 4 stars; one submission).

Conditions:
CHCHD10-related disorder. Also called: CHCHD10-Related Disorders; CHCHD10-related condition. Identifiers: MedGen CN381526.

Submission:

PreventionGenetics, part of Exact Sciences
Classification: Uncertain significance for CHCHD10-related condition. Last evaluated: 2025-02-02. Review status: criteria provided, single submitter. Criteria: ACMG Guidelines, 2015. Collection method: clinical testing. Allele origin: germline.
Comment: The CHCHD10 c.25G>A variant is predicted to result in the amino acid substitution p.Ala9Thr. To our knowledge, this variant has not been reported in the literature or in a large population database (gnomAD), indicating this variant is rare. At this time, the clinical significance of this variant is uncertain due to the absence of conclusive functional and genetic evidence.

NM_213720.3(CHCHD10):c.25G>A (p.Ala9Thr)

Gene: CHCHD10 (coiled-coil-helix-coiled-coil-helix domain containing 10; minus strand). Cytogenetic location: 22q11.23.
Variant type: single nucleotide variant.
Coding change: c.25G>A on transcript NM_213720.3 (MANE Select); coding-DNA position 25, G replaced by A.
Protein change: p.Ala9Thr; replaces alanine 9 with threonine.
Molecular consequence: missense variant. On other transcripts: non-coding transcript variant (2).
Genome position (GRCh38, 1-based): chr22:23,767,850, C>T on the plus strand (G>A on the coding strand, the complement: CHCHD10 is on the minus strand). VCF-style: chr22-23767850-C-T. GRCh37 (hg19) VCF-style: chr22-24110037-C-T.
Other names: c.25G>A, p.Ala9Thr (NM_001301339.2); short protein forms A9T.
Identifiers: ClinVar variation 5001376 (VCV005001376.1).
Genomic context (GRCh38, chr22:23,767,850, plus strand): 5'-ACTTCCCTAACCCCCTCCCCACAGGGCCCTTGTCCCCCTCACACCTGGCTGGCCGGGAGG[C>T]CGCGCTGCGGCTTCCCCGAGGCATGGTGGCGGCGGTGGGACCCGGGCGACCTTAGAGACG-3'
Protein context (NP_998885.1, residues 1-19): MPRGSRSA[Ala9Thr]SRPASRPAAP